The following is an entry in ClinVar:

NM_005422.4(TECTA):c.2848G>A (p.Glu950Lys)

Genes: TBCEL-TECTA (TBCEL-TECTA readthrough; plus strand), TECTA (tectorin alpha; plus strand), LOC126861365 (P300/CBP strongly-dependent group 1 enhancer GRCh37_chr11:121000154-121001353; plus strand). Cytogenetic location: 11q23.3.
Variant type: single nucleotide variant.
Coding change: c.2848G>A on transcript NM_005422.4 (MANE Select); coding-DNA position 2848, G replaced by A.
Protein change: p.Glu950Lys; replaces glutamic acid 950 with lysine.
Molecular consequence: missense variant.
Genome position (GRCh38, 1-based): chr11:121,130,118, G>A. VCF-style: chr11-121130118-G-A. GRCh37 (hg19) VCF-style: chr11-121000827-G-A.
Other names: c.3805G>A, p.Glu1269Lys (NM_001378761.1); short protein forms E950K, E1269K.
Identifiers: ClinVar variation 1034175 (VCV001034175.1), dbSNP rs1374232396, ClinGen allele CA383017352.

ClinVar aggregate classification (germline): Uncertain significance (1 of 4 stars; one submission).

Conditions:
Autosomal dominant nonsyndromic hearing loss 12. Also called: DEAFNESS, AUTOSOMAL DOMINANT 8. Identifiers: Orphanet 90635, MedGen C1832187, MONDO:0011102, OMIM 601543.

Allele frequency attached by ClinVar (database versions not stated): gnomAD exomes below 0.00001.

Submission:

Baylor Genetics
Classification: Uncertain significance for Autosomal dominant nonsyndromic hearing loss 12. Last evaluated: 2018-06-25. Review status: criteria provided, single submitter. Criteria: ACMG Guidelines, 2015. Collection method: clinical testing. Allele origin: maternal. Affected: yes.
Comment: This variant was determined to be of uncertain significance according to ACMG Guidelines, 2015 [PMID:25741868].